The following is an entry in ClinVar:

ClinVar aggregate classification (germline): Uncertain significance. Review status: criteria provided, multiple submitters, no conflicts (2 of 4 stars). 2 submissions from 2 submitters: Uncertain significance (2). Last evaluated 2022-07-26.

Conditions:
Nemaline myopathy 2 (NEM2). Also called: Nemaline myopathy 2, autosomal recessive. Identifiers: MedGen C1850569, MONDO:0009725, OMIM 256030.

Submissions (2):

Labcorp Genetics (formerly Invitae), Labcorp
Classification: Uncertain significance for Nemaline myopathy 2. Last evaluated: 2022-07-26. Review status: criteria provided, single submitter. Criteria: Invitae Variant Classification Sherloc (09022015). Collection method: clinical testing. Allele origin: germline.
Comment: In summary, the available evidence is currently insufficient to determine the role of this variant in disease. Therefore, it has been classified as a Variant of Uncertain Significance. Algorithms developed to predict the effect of missense changes on protein structure and function are either unavailable or do not agree on the potential impact of this missense change (SIFT: "Deleterious"; PolyPhen-2: "Not Available"; Align-GVGD: "Class C0"). ClinVar contains an entry for this variant (Variation ID: 995143). This variant has not been reported in the literature in individuals affected with NEB-related conditions. This variant is not present in population databases (gnomAD no frequency). This sequence change replaces leucine, which is neutral and non-polar, with proline, which is neutral and non-polar, at codon 7166 of the NEB protein (p.Leu7166Pro).

Athena Diagnostics
Classification: Uncertain significance. Last evaluated: 2020-01-24. Review status: criteria provided, single submitter. Criteria: Athena Diagnostics Criteria. Collection method: clinical testing. Allele origin: unknown.

NM_001164508.2(NEB):c.21392T>C (p.Leu7131Pro)

Genes: NEB (nebulin; minus strand), RIF1 (replication timing regulatory factor 1; plus strand). Cytogenetic location: 2q23.3.
Variant type: single nucleotide variant.
Coding change: c.21392T>C on transcript NM_001164508.2 (MANE Select); coding-DNA position 21392, T replaced by C.
Protein change: p.Leu7131Pro; replaces leucine 7131 with proline.
Molecular consequence: missense variant. On other transcripts: intron variant (2).
Genome position (GRCh38, 1-based): chr2:151,533,467, A>G on the plus strand (T>C on the coding strand, the complement: NEB is on the minus strand). VCF-style: chr2-151533467-A-G. GRCh37 (hg19) VCF-style: chr2-152389981-A-G.
Other names: c.21497T>C, p.Leu7166Pro (NM_001271208.2); c.16314+748T>C (NM_004543.5); c.21417+748T>C (NM_001164507.2); short protein forms L7131P, L7166P.
Identifiers: ClinVar variation 995143 (VCV000995143.6), dbSNP rs2092301005, ClinGen allele CA348771409.
Genomic context (GRCh38, chr2:151,533,467, plus strand): 5'-CTAAACCTCCTTCTTCACATCCCATCAGACATTACCTGGCTCCACATATGCGAATTGTAG[A>G]GAGCAGTCAACATATCTGGACGCAGAATTTCATTACATCCATGTTGCAGAAACATCTTGG-3'
Protein context (NP_001157980.2, residues 7121-7141): EILRPDMLTA[Leu7131Pro]YNSHMWSQIK